The following is an entry in ClinVar:

ClinVar aggregate classification (germline): Benign/Likely benign. Review status: criteria provided, multiple submitters, no conflicts (2 of 4 stars). 2 submissions from 2 submitters: Benign (1); Likely benign (1). Last evaluated 2026-05-14.

gnomAD v4.1: 230 of 1,498,640 alleles (0.015%); highest among the groups gnomAD compares: Middle Eastern, 0.5%; no homozygotes.

Submissions (2):

Women's Health and Genetics/Laboratory Corporation of America, LabCorp
Classification: Benign. Last evaluated: 2026-05-14. Review status: criteria provided, single submitter. Criteria: LabCorp Variant Classification Summary - May 2015. Collection method: clinical testing. Allele origin: germline.
Comment: Variant summary: FAM111B c.*8A>T is located in the untranslated mRNA region downstream of the termination codon. The variant allele was found at a frequency of 0.00021 in 171094 control chromosomes. The observed variant frequency exceeds the estimated maximal expected allele frequency for disease-causing variants in FAM111B. To our knowledge, no occurrence of c.*8A>T in individuals affected with FAM111B-related conditions and no experimental evidence demonstrating its impact on protein function have been reported. No submitters have cited clinical-significance assessments for this variant to ClinVar. Based on the evidence outlined above, the variant was classified as benign.

Blueprint Genetics
Classification: Likely benign. Last evaluated: 2024-11-21. Review status: criteria provided, single submitter. Criteria: ACMG Guidelines, 2015. Collection method: clinical testing. Allele origin: germline.

NM_198947.4(FAM111B):c.*8A>T

Gene: FAM111B (FAM111 trypsin like peptidase B; plus strand). Cytogenetic location: 11q12.1.
Variant type: single nucleotide variant.
Coding change: c.*8A>T on transcript NM_198947.4 (MANE Select); 8 bases downstream of the stop codon, A replaced by T.
Molecular consequence: 3 prime UTR variant.
Genome position (GRCh38, 1-based): chr11:59,126,310, A>T. VCF-style: chr11-59126310-A-T. GRCh37 (hg19) VCF-style: chr11-58893783-A-T.
Other names: c.*8A>T (NM_001142703.2, NM_001142704.2).
Identifiers: ClinVar variation 4853084 (VCV004853084.2).
Genomic context (GRCh38, chr11:59,126,310, plus strand): 5'-GTAAACAAGAGTCATCACTTCAAGATCATCAGATTGAACCCATGGAATGTTAGAAAAGAG[A>T]TGCTGTCTTCAAGAAAATATGCCAATAATTCCTGGCAAAGATTTCATGACAAAGACACTT-3'